The following is an entry in ClinVar:

NM_004484.4(GPC3):c.943G>T (p.Asp315Tyr)

Gene: GPC3 (glypican 3; minus strand). Cytogenetic location: Xq26.2.
Variant type: single nucleotide variant.
Coding change: c.943G>T on transcript NM_004484.4 (MANE Select); coding-DNA position 943, G replaced by T.
Protein change: p.Asp315Tyr; replaces aspartic acid 315 with tyrosine.
Molecular consequence: missense variant.
Genome position (GRCh38, 1-based): chrX:133,753,571, C>A on the plus strand (G>T on the coding strand, the complement: GPC3 is on the minus strand). VCF-style: chrX-133753571-C-A. GRCh37 (hg19) VCF-style: chrX-132887598-C-A.
Other names: c.943G>T, p.Asp315Tyr (NM_001164617.2); c.895G>T, p.Asp299Tyr (NM_001164618.2); c.781G>T, p.Asp261Tyr (NM_001164619.2); short protein forms D299Y, D261Y, D315Y.
Identifiers: ClinVar variation 1510757 (VCV001510757.6), dbSNP rs2124479854, ClinGen allele CA414705196.

ClinVar aggregate classification (germline): Uncertain significance (1 of 4 stars; one submission).

Conditions:
Wilms tumor 1 (WT1). Also called: Wilms tumor, somatic. Identifiers: Orphanet 654, MedGen CN033288, MONDO:0008679, OMIM 194070.

Allele frequency attached by ClinVar (database versions not stated): gnomAD exomes below 0.00001.
gnomAD v4.1: 1 of 1,208,474 alleles (0.000083%); highest among the groups gnomAD compares: Non-Finnish European, 0.00011%; no homozygotes.

Submission:

Labcorp Genetics (formerly Invitae), Labcorp
Classification: Uncertain significance for Wilms tumor 1. Last evaluated: 2021-08-06. Review status: criteria provided, single submitter. Criteria: Invitae Variant Classification Sherloc (09022015). Collection method: clinical testing. Allele origin: germline.
Comment: In summary, the available evidence is currently insufficient to determine the role of this variant in disease. Therefore, it has been classified as a Variant of Uncertain Significance. Algorithms developed to predict the effect of missense changes on protein structure and function are either unavailable or do not agree on the potential impact of this missense change (SIFT: "Deleterious"; PolyPhen-2: "Probably Damaging"; Align-GVGD: "Class C15"). This variant has not been reported in the literature in individuals affected with GPC3-related conditions. This variant is not present in population databases (ExAC no frequency). This sequence change replaces aspartic acid with tyrosine at codon 315 of the GPC3 protein (p.Asp315Tyr). The aspartic acid residue is highly conserved and there is a large physicochemical difference between aspartic acid and tyrosine.